The following is an entry in ClinVar:

ClinVar aggregate classification (germline): Uncertain significance (1 of 4 stars; one submission).

Submission:

Labcorp Genetics (formerly Invitae), Labcorp
Classification: Uncertain significance. Last evaluated: 2025-12-06. Review status: criteria provided, single submitter. Criteria: Invitae Variant Classification Sherloc (09022015). Collection method: clinical testing. Allele origin: germline.
Comment: This variant, c.137_139del, results in the deletion of 1 amino acid(s) of the CDC6 protein (p.Pro46del), but otherwise preserves the integrity of the reading frame. This variant is present in population databases (rs776043160, gnomAD 0.06%), and has an allele count higher than expected for a pathogenic variant. This variant has not been reported in the literature in individuals affected with CDC6-related conditions. ClinVar contains an entry for this variant (Variation ID: 323053). Experimental studies and prediction algorithms are not available or were not evaluated, and the functional significance of this variant is currently unknown. In summary, the available evidence is currently insufficient to determine the role of this variant in disease. Therefore, it has been classified as a Variant of Uncertain Significance.

NM_001254.4(CDC6):c.134CTC[1] (p.Pro46del)

Gene: CDC6 (cell division cycle 6; plus strand). Cytogenetic location: 17q21.2.
Variant type: Microsatellite.
Coding change: c.134CTC[1] on transcript NM_001254.4 (MANE Select); one copy of the 3-base unit CTC starting at c.134; the reference has two copies in a row; one copy, 3 bases deleted; also written c.137_139del.
Protein change: p.Pro46del; deletes proline 46.
Molecular consequence: inframe deletion.
Genome position (GRCh38, 1-based): chr17:40,289,557-40,289,559, CTC deleted; deleting any 3 consecutive bases within chr17:40,289,554-40,289,559 gives the same sequence; the position shown is the placement nearest the transcript's 3' end. VCF-style (leftmost placement, unchanged base first): chr17-40289553-TCTC-T. GRCh37 (hg19) VCF-style: chr17-38445805-TCTC-T.
Other names: c.137_139del (NM_001254.3); short protein forms P46del.
Identifiers: ClinVar variation 323053 (VCV000323053.14), dbSNP rs776043160, ClinGen allele CA8541802.